The following is an entry in ClinVar:

ClinVar aggregate classification (germline): Uncertain significance (1 of 4 stars; one submission).

Submission:

GeneDx
Classification: Uncertain significance. Last evaluated: 2016-12-16. Review status: criteria provided, single submitter. Criteria: GeneDx Variant Classification (06012015). Collection method: clinical testing. Allele origin: germline. Affected: yes.
Comment: A variant of uncertain significance has been identified in the COL2A1 gene. The Q851P variant has not been published as a pathogenic variant, nor has it been reported as a benign variant to our knowledge. This variant was not observed in the Exome Aggregation Consortium, indicating it is not a common benign variant in these populations. The Q851P variant is a non-conservative amino acid substitution, which is likely to impact secondary protein structure as these residues differ in polarity, charge, size and/or other properties. However, this substitution occurs at a position that is only conserved through mammals and in silico analysis is inconsistent in its predictions as to whether or not the variant is damaging to the protein structure/function.

NM_001844.5(COL2A1):c.2552A>C (p.Gln851Pro)

Gene: COL2A1 (collagen type II alpha 1 chain; minus strand). Cytogenetic location: 12q13.11.
Variant type: single nucleotide variant.
Coding change: c.2552A>C on transcript NM_001844.5 (MANE Select); coding-DNA position 2552, A replaced by C.
Protein change: p.Gln851Pro; replaces glutamine 851 with proline.
Molecular consequence: missense variant.
Genome position (GRCh38, 1-based): chr12:47,980,627, T>G on the plus strand (A>C on the coding strand, the complement: COL2A1 is on the minus strand). VCF-style: chr12-47980627-T-G. GRCh37 (hg19) VCF-style: chr12-48374410-T-G.
Other names: c.2345A>C, p.Gln782Pro (NM_033150.3); short protein forms Q851P, Q782P.
Identifiers: ClinVar variation 391860 (VCV000391860.2), dbSNP rs1057524266, ClinGen allele CA16606553.